The following is an entry in ClinVar:

NM_012175.4(FBXO3):c.661G>A (p.Val221Ile)

Gene: FBXO3 (F-box protein 3; minus strand). Cytogenetic location: 11p13.
Variant type: single nucleotide variant.
Coding change: c.661G>A on transcript NM_012175.4 (MANE Select); coding-DNA position 661, G replaced by A.
Protein change: p.Val221Ile; replaces valine 221 with isoleucine.
Molecular consequence: missense variant.
Genome position (GRCh38, 1-based): chr11:33,755,788, C>T on the plus strand (G>A on the coding strand, the complement: FBXO3 is on the minus strand). VCF-style: chr11-33755788-C-T. GRCh37 (hg19) VCF-style: chr11-33777334-C-T.
Other names: c.661G>A, p.Val221Ile (NM_033406.4); short protein forms V221I.
Identifiers: ClinVar variation 1278752 (VCV001278752.2), dbSNP rs1402954, ClinGen allele CA5941022.

ClinVar aggregate classification (germline): Benign. Review status: criteria provided, multiple submitters, no conflicts (2 of 4 stars). 2 submissions from 2 submitters: Benign (2). Last evaluated 2020-07-15.

Allele frequency attached by ClinVar (database versions not stated): 1000 Genomes Project 30x 0.03061; 1000 Genomes Project 0.03135; gnomAD 0.06413 and 0.06545; TOPMed 0.06452; gnomAD exomes 0.06609 and 0.08146; ExAC 0.06619; ESP Exome Variant Server 0.07231.
gnomAD v4.1: 128,631 of 1,613,120 alleles (8%); highest among the groups gnomAD compares: Non-Finnish European, 9.3%; 5,953 homozygotes.

Submissions (2):

GeneDx
Classification: Benign. Last evaluated: 2020-07-15. Review status: criteria provided, single submitter. Criteria: GeneDx Variant Classification Process June 2021. Collection method: clinical testing. Allele origin: germline. Affected: yes.
Comment: This variant is associated with the following publications: (PMID: 30448480)

Breakthrough Genomics
Classification: Benign. Review status: criteria provided, single submitter. Criteria: ACMG Guidelines, 2015. Collection method: not provided. Allele origin: germline. Inheritance: Unknown mechanism. Affected: yes.